The following is an entry in ClinVar:

ClinVar aggregate classification (germline): Likely benign (0 of 4 stars; one submission).

Conditions:
WNT5A-related disorder. Also called: WNT5A-related condition.

Allele frequency attached by ClinVar (database versions not stated): gnomAD exomes 0.00001; gnomAD 0.00003; TOPMed 0.00003.
gnomAD v4.1: 17 of 1,530,642 alleles (0.0011%); highest among the groups gnomAD compares: Non-Finnish European, 0.00053%; no homozygotes.

Submission:

PreventionGenetics, part of Exact Sciences
Classification: Likely benign for WNT5A-related condition. Last evaluated: 2021-05-25. Review status: no assertion criteria provided. Collection method: clinical testing. Allele origin: germline.
Comment: This variant is classified as likely benign based on ACMG/AMP sequence variant interpretation guidelines (Richards et al. 2015 PMID: 25741868, with internal and published modifications).

NM_003392.7(WNT5A):c.7-5T>G

Gene: WNT5A (Wnt family member 5A; minus strand). Cytogenetic location: 3p14.3.
Variant type: single nucleotide variant.
Coding change: c.7-5T>G on transcript NM_003392.7 (MANE Select); 5 bases into the intron before coding-DNA position 7, T replaced by G.
Molecular consequence: intron variant.
Genome position (GRCh38, 1-based): chr3:55,480,923, A>C on the plus strand (T>G on the coding strand, the complement: WNT5A is on the minus strand). VCF-style: chr3-55480923-A-C. GRCh37 (hg19) VCF-style: chr3-55514951-A-C.
Other names: c.-39-5T>G (NM_001377271.1, NM_001377272.1, NM_001256105.1).
Identifiers: ClinVar variation 3032407 (VCV003032407.2), dbSNP rs752929793, ClinGen allele CA2459141.
Genomic context (GRCh38, chr3:55,480,923, plus strand): 5'-ATTGCACTTCCAGCCATCCCCAAAGCAACTCCTGGGCTTAATATTCCAATGGACTTCTGG[A>C]GAGGGAAGAAAGGAGCAGATGTTTATTGCCTCTCAGATAATTTTCAAGCATACAAGTTTA-3'